The following is an entry in ClinVar:

ClinVar aggregate classification (germline): Uncertain significance. Review status: criteria provided, multiple submitters, no conflicts (2 of 4 stars). 2 submissions from 2 submitters: Uncertain significance (2). Last evaluated 2023-10-26.

Conditions:
Hereditary cancer-predisposing syndrome. Also called: Tumor predisposition; Hereditary neoplastic syndrome; Neoplastic Syndromes, Hereditary; Hereditary Cancer Syndrome. Identifiers: Orphanet 140162, MedGen C0027672, MeSH D009386, MONDO:0015356.
Familial cancer of breast. Also called: hereditary breast carcinoma; Hereditary breast cancer; BREAST CANCER, FAMILIAL. Identifiers: Orphanet 227535, MedGen C0346153, MONDO:0016419, OMIM 114480. Disease mechanism: loss of function.

Submissions (2):

Baylor Genetics
Classification: Uncertain significance for Familial cancer of breast. Last evaluated: 2023-10-26. Review status: criteria provided, single submitter. Criteria: ACMG Guidelines, 2015. Collection method: clinical testing. Allele origin: unknown.

Ambry Genetics
Classification: Uncertain significance for Hereditary cancer-predisposing syndrome. Last evaluated: 2019-02-18. Review status: criteria provided, single submitter. Criteria: Ambry Variant Classification Scheme 2023. Collection method: clinical testing. Allele origin: germline.
Comment: The p.L451I variant (also known as c.1351T>A), located in coding exon 4 of the PALB2 gene, results from a T to A substitution at nucleotide position 1351. The leucine at codon 451 is replaced by isoleucine, an amino acid with highly similar properties. This amino acid position is not well conserved in available vertebrate species. In addition, this alteration is predicted to be tolerated by in silico analysis. Since supporting evidence is limited at this time, the clinical significance of this alteration remains unclear.

NM_024675.4(PALB2):c.1351T>A (p.Leu451Ile)

Gene: PALB2 (partner and localizer of BRCA2; minus strand). Cytogenetic location: 16p12.2.
Variant type: single nucleotide variant.
Coding change: c.1351T>A on transcript NM_024675.4 (MANE Select); coding-DNA position 1351, T replaced by A.
Protein change: p.Leu451Ile; replaces leucine 451 with isoleucine.
Molecular consequence: missense variant.
Genome position (GRCh38, 1-based): chr16:23,635,195, A>T on the plus strand (T>A on the coding strand, the complement: PALB2 is on the minus strand). VCF-style: chr16-23635195-A-T. GRCh37 (hg19) VCF-style: chr16-23646516-A-T.
Other names: short protein forms L451I.
Identifiers: ClinVar variation 818957 (VCV000818957.5), dbSNP rs772691867, ClinGen allele CA395131528.